The following is an entry in ClinVar:

NM_032119.4(ADGRV1):c.11617A>T (p.Thr3873Ser)

Gene: ADGRV1 (adhesion G protein-coupled receptor V1; plus strand). Cytogenetic location: 5q14.3.
Variant type: single nucleotide variant.
Coding change: c.11617A>T on transcript NM_032119.4 (MANE Select); coding-DNA position 11617, A replaced by T.
Protein change: p.Thr3873Ser; replaces threonine 3873 with serine.
Molecular consequence: missense variant. On other transcripts: non-coding transcript variant (1).
Genome position (GRCh38, 1-based): chr5:90,756,490, A>T. VCF-style: chr5-90756490-A-T. GRCh37 (hg19) VCF-style: chr5-90052307-A-T.
Other names: short protein forms T3873S.
Identifiers: ClinVar variation 1375701 (VCV001375701.5), dbSNP rs2149981418, ClinGen allele CA360368179.

ClinVar aggregate classification (germline): Uncertain significance (1 of 4 stars; one submission).

gnomAD v4.1: 1 of 1,592,564 alleles (0.000063%); highest among the groups gnomAD compares: Non-Finnish European, 0.000085%; no homozygotes.

Submission:

Labcorp Genetics (formerly Invitae), Labcorp
Classification: Uncertain significance. Last evaluated: 2023-08-17. Review status: criteria provided, single submitter. Criteria: Invitae Variant Classification Sherloc (09022015). Collection method: clinical testing. Allele origin: germline.
Comment: In summary, the available evidence is currently insufficient to determine the role of this variant in disease. Therefore, it has been classified as a Variant of Uncertain Significance. Advanced modeling of protein sequence and biophysical properties (such as structural, functional, and spatial information, amino acid conservation, physicochemical variation, residue mobility, and thermodynamic stability) performed at Invitae indicates that this missense variant is not expected to disrupt ADGRV1 protein function. ClinVar contains an entry for this variant (Variation ID: 1375701). This variant has not been reported in the literature in individuals affected with ADGRV1-related conditions. This variant is not present in population databases (gnomAD no frequency). This sequence change replaces threonine, which is neutral and polar, with serine, which is neutral and polar, at codon 3873 of the ADGRV1 protein (p.Thr3873Ser).